The following is an entry in ClinVar:

NM_002474.3(MYH11):c.1315C>T (p.Arg439Cys)

Gene: MYH11 (myosin heavy chain 11; minus strand). Cytogenetic location: 16p13.11.
Variant type: single nucleotide variant.
Coding change: c.1315C>T on transcript NM_002474.3 (MANE Select); coding-DNA position 1315, C replaced by T.
Protein change: p.Arg439Cys; replaces arginine 439 with cysteine.
Molecular consequence: missense variant.
Genome position (GRCh38, 1-based): chr16:15,759,662, G>A on the plus strand (C>T on the coding strand, the complement: MYH11 is on the minus strand). VCF-style: chr16-15759662-G-A. GRCh37 (hg19) VCF-style: chr16-15853519-G-A.
Other names: c.1336C>T, p.Arg446Cys (NM_001040113.2, NM_001040114.2); c.1315C>T, p.Arg439Cys (NM_022844.3); short protein forms R439C, R446C.
Identifiers: ClinVar variation 628825 (VCV000628825.13), dbSNP rs1567736003, ClinGen allele CA394872512.

ClinVar aggregate classification (germline): Conflicting classifications of pathogenicity. Review status: criteria provided, conflicting classifications (1 of 4 stars). 5 submissions from 5 submitters: Uncertain significance (4); Likely benign (1). Last evaluated 2024-03-06.

Conditions:
Familial thoracic aortic aneurysm and aortic dissection (TAAD). Also called: Thoracic aortic aneurysms and dissections. Identifiers: Orphanet 91387, MedGen C4707243, MONDO:0019625.

Allele frequency attached by ClinVar (database versions not stated): gnomAD exomes 0.00001.
gnomAD v4.1: 8 of 1,614,208 alleles (0.0005%); highest among the groups gnomAD compares: African/African-American, 0.0013%; no homozygotes.

Submissions (5):

Color Diagnostics, LLC DBA Color Health
Classification: Uncertain significance for Familial thoracic aortic aneurysm and aortic dissection. Last evaluated: 2024-03-06. Review status: criteria provided, single submitter. Criteria: ACMG Guidelines, 2015. Collection method: clinical testing. Allele origin: germline.
Comment: This missense variant replaces arginine with cysteine at codon 446 of the MYH11 protein. Computational prediction suggests that this variant may have deleterious impact on protein structure and function (internally defined REVEL score threshold >= 0.7, PMID: 27666373). To our knowledge, functional studies have not been reported for this variant. This variant has not been reported in individuals affected with cardiovascular disorders in the literature. This variant has not been identified in the general population by the Genome Aggregation Database (gnomAD). The available evidence is insufficient to determine the role of this variant in disease conclusively. Therefore, this variant is classified as a Variant of Uncertain Significance.

All of Us Research Program, National Institutes of Health
Classification: Uncertain significance for Familial thoracic aortic aneurysm and aortic dissection. Last evaluated: 2023-06-28. Review status: criteria provided, single submitter. Criteria: ACMG Guidelines, 2015. Collection method: clinical testing. Allele origin: germline. Inheritance: Autosomal dominant inheritance. Observed: 1 variant allele, 1 heterozygote.
Comment: This missense variant replaces arginine with cysteine at codon 446 of the MYH11 protein. Computational prediction suggests that this variant may have deleterious impact on protein structure and function (internally defined REVEL score threshold >= 0.7, PMID: 27666373). To our knowledge, functional studies have not been reported for this variant. This variant has not been reported in individuals affected with cardiovascular disorders in the literature. This variant has not been identified in the general population by the Genome Aggregation Database (gnomAD). The available evidence is insufficient to determine the role of this variant in disease conclusively. Therefore, this variant is classified as a Variant of Uncertain Significance.

This study involves interpretation of variants in research participants for the purpose of population health screening. Participant phenotype was not available at the time of variant classification. Additional details can be found in publication PMID: 35346344, PMCID: PMC8962531

Revvity Omics, Revvity
Classification: Uncertain significance. Last evaluated: 2022-06-20. Review status: criteria provided, single submitter. Criteria: ACMG Guidelines, 2015. Collection method: clinical testing. Allele origin: germline.

Ambry Genetics
Classification: Uncertain significance for Familial thoracic aortic aneurysm and aortic dissection. Last evaluated: 2021-03-16. Review status: criteria provided, single submitter. Criteria: Ambry Variant Classification Scheme 2023. Collection method: clinical testing. Allele origin: germline.
Comment: The p.R439C variant (also known as c.1315C>T), located in coding exon 11 of the MYH11 gene, results from a C to T substitution at nucleotide position 1315. The arginine at codon 439 is replaced by cysteine, an amino acid with highly dissimilar properties. This amino acid position is highly conserved in available vertebrate species. In addition, this alteration is predicted to be deleterious by in silico analysis. Since supporting evidence is limited at this time, the clinical significance of this alteration remains unclear.

Blueprint Genetics
Classification: Likely benign. Last evaluated: 2018-10-30. Review status: criteria provided, single submitter. Criteria: ACMG Guidelines, 2015. Collection method: clinical testing. Allele origin: germline.